The following is an entry in ClinVar:

NM_025103.4(IFT74):c.251C>G (p.Thr84Arg)

Gene: IFT74 (intraflagellar transport 74; plus strand). Cytogenetic location: 9p21.2.
Variant type: single nucleotide variant.
Coding change: c.251C>G on transcript NM_025103.4 (MANE Select); coding-DNA position 251, C replaced by G.
Protein change: p.Thr84Arg; replaces threonine 84 with arginine.
Molecular consequence: missense variant.
Genome position (GRCh38, 1-based): chr9:26,978,258, C>G. VCF-style: chr9-26978258-C-G. GRCh37 (hg19) VCF-style: chr9-26978256-C-G.
Other names: c.251C>G, p.Thr84Arg (NM_001099222.3, NM_001099223.3, NM_001099224.3 and 1 more transcripts); short protein forms T84R.
Identifiers: ClinVar variation 2016997 (VCV002016997.4), dbSNP rs370238286, ClinGen allele CA373124133.

ClinVar aggregate classification (germline): Uncertain significance (1 of 4 stars; one submission).

gnomAD v4.1: 1 of 1,612,074 alleles (0.000062%); highest among the groups gnomAD compares: Admixed American, 0.0017%; no homozygotes.

Submission:

Labcorp Genetics (formerly Invitae), Labcorp
Classification: Uncertain significance. Last evaluated: 2022-10-24. Review status: criteria provided, single submitter. Criteria: Invitae Variant Classification Sherloc (09022015). Collection method: clinical testing. Allele origin: germline.
Comment: This sequence change replaces threonine, which is neutral and polar, with arginine, which is basic and polar, at codon 84 of the IFT74 protein (p.Thr84Arg). This variant is not present in population databases (gnomAD no frequency). This variant has not been reported in the literature in individuals affected with IFT74-related conditions. Algorithms developed to predict the effect of missense changes on protein structure and function are either unavailable or do not agree on the potential impact of this missense change (SIFT: "Deleterious"; PolyPhen-2: "Benign"; Align-GVGD: "Class C0"). In summary, the available evidence is currently insufficient to determine the role of this variant in disease. Therefore, it has been classified as a Variant of Uncertain Significance.